The following is an entry in ClinVar:

NM_182961.4(SYNE1):c.5146C>G (p.Leu1716Val)

Gene: SYNE1 (spectrin repeat containing nuclear envelope protein 1; minus strand). Cytogenetic location: 6q25.2.
Variant type: single nucleotide variant.
Coding change: c.5146C>G on transcript NM_182961.4 (MANE Select); coding-DNA position 5146, C replaced by G.
Protein change: p.Leu1716Val; replaces leucine 1716 with valine.
Molecular consequence: missense variant.
Genome position (GRCh38, 1-based): chr6:152,425,502, G>C on the plus strand (C>G on the coding strand, the complement: SYNE1 is on the minus strand). VCF-style: chr6-152425502-G-C. GRCh37 (hg19) VCF-style: chr6-152746637-G-C.
Other names: c.5167C>G, p.Leu1723Val (NM_033071.5); short protein forms L1716V, L1723V.
Identifiers: ClinVar variation 643561 (VCV000643561.8), dbSNP rs202081505, ClinGen allele CA4058350.

ClinVar aggregate classification (germline): Uncertain significance (1 of 4 stars; one submission).

Conditions:
Autosomal recessive ataxia, Beauce type. Also called: Spinocerebellar ataxia, autosomal recessive 8; ATAXIA, RECESSIVE, OF BEAUCE; SYNE1 Deficiency; SYNE1-Related Autosomal Recessive Cerebellar Ataxia. Identifiers: Orphanet 88644, MedGen C1853116, MONDO:0012549, OMIM 610743.
Emery-Dreifuss muscular dystrophy 4, autosomal dominant (EDMD4). Also called: EMERY-DREIFUSS MUSCULAR DYSTROPHY 4 WITH VARIABLE FEATURES. Identifiers: Orphanet 261, MedGen C2751807, MONDO:0013071, OMIM 612998.

gnomAD v4.1: 17 of 1,614,144 alleles (0.0011%); highest among the groups gnomAD compares: Non-Finnish European, 0.0014%; no homozygotes.

Submission:

Labcorp Genetics (formerly Invitae), Labcorp
Classification: Uncertain significance for Emery-Dreifuss muscular dystrophy 4, autosomal dominant; Autosomal recessive ataxia, Beauce type. Last evaluated: 2022-09-13. Review status: criteria provided, single submitter. Criteria: Invitae Variant Classification Sherloc (09022015). Collection method: clinical testing. Allele origin: germline.
Comment: This sequence change replaces leucine, which is neutral and non-polar, with valine, which is neutral and non-polar, at codon 1723 of the SYNE1 protein (p.Leu1723Val). This variant is present in population databases (rs202081505, gnomAD 0.003%). This variant has not been reported in the literature in individuals affected with SYNE1-related conditions. ClinVar contains an entry for this variant (Variation ID: 643561). Algorithms developed to predict the effect of missense changes on protein structure and function are either unavailable or do not agree on the potential impact of this missense change (SIFT: "Deleterious"; PolyPhen-2: "Possibly Damaging"; Align-GVGD: "Class C0"). In summary, the available evidence is currently insufficient to determine the role of this variant in disease. Therefore, it has been classified as a Variant of Uncertain Significance.